The following is an entry in ClinVar:

ClinVar aggregate classification (germline): Uncertain significance (1 of 4 stars; one submission).

Submission:

CeGaT Center for Human Genetics Tuebingen
Classification: Uncertain significance. Last evaluated: 2024-12-01. Review status: criteria provided, single submitter. Criteria: CeGaT Center For Human Genetics Tuebingen Variant Classification Criteria Version 2. Collection method: clinical testing. Allele origin: germline. Affected: yes. Observed: 1 variant allele.
Comment: NYX: PM2, PP3

NM_001378477.3(NYX):c.1079C>T (p.Pro360Leu)

Gene: NYX (nyctalopin; plus strand). Cytogenetic location: Xp11.4.
Variant type: single nucleotide variant.
Coding change: c.1079C>T on transcript NM_001378477.3 (MANE Select); coding-DNA position 1079, C replaced by T.
Protein change: p.Pro360Leu; replaces proline 360 with leucine.
Molecular consequence: missense variant.
Genome position (GRCh38, 1-based): chrX:41,474,547, C>T. VCF-style: chrX-41474547-C-T. GRCh37 (hg19) VCF-style: chrX-41333800-C-T.
Other names: c.1079C>T, p.Pro360Leu (NM_022567.3); short protein forms P360L.
Identifiers: ClinVar variation 3771935 (VCV003771935.13).